The following is an entry in ClinVar:

NM_000271.5(NPC1):c.608_609del (p.Phe203fs)

Gene: NPC1 (NPC intracellular cholesterol transporter 1; minus strand). Cytogenetic location: 18q11.2.
Variant type: Deletion.
Coding change: c.608_609del on transcript NM_000271.5 (MANE Select); coding-DNA positions 608 to 609, 2 bases deleted (TT; older notation c.608_609delTT).
Protein change: p.Phe203fs; shifts the reading frame from phenylalanine 203.
Molecular consequence: frameshift variant.
Genome position (GRCh38, 1-based): chr18:23,561,382-23,561,383, AA deleted on the plus strand (TT on the coding strand, the reverse complement: NPC1 is on the minus strand); deleting any 2 consecutive bases within chr18:23,561,382-23,561,385 gives the same sequence; the c. name uses the placement nearest the transcript's 3' end. VCF-style (leftmost placement, unchanged base first): chr18-23561381-TAA-T. GRCh37 (hg19) VCF-style: chr18-21141345-TAA-T.
Other names: c.608_609delTT (NM_000271.4); short protein forms F203fs.
Identifiers: ClinVar variation 1726313 (VCV001726313.3), dbSNP rs2511308451, ClinGen allele CA2580095637.

ClinVar aggregate classification (germline): Likely pathogenic. Review status: criteria provided, multiple submitters, no conflicts (2 of 4 stars). 2 submissions from 2 submitters: Likely pathogenic (2). Last evaluated 2024-04-09.

Conditions:
Niemann-Pick disease, type C1. Also called: NEUROVISCERAL STORAGE DISEASE WITH VERTICAL SUPRANUCLEAR OPHTHALMOPLEGIA; NIEMANN-PICK DISEASE WITH CHOLESTEROL ESTERIFICATION BLOCK; NIEMANN-PICK DISEASE WITHOUT SPHINGOMYELINASE DEFICIENCY; NIEMANN-PICK DISEASE, CHRONIC NEURONOPATHIC FORM; NIEMANN-PICK DISEASE, VARIANT TYPE C1. Identifiers: Orphanet 646, MedGen C3179455, MONDO:0009757, OMIM 257220.

Submissions (2):

Natera, Inc.
Classification: Likely pathogenic for Niemann-Pick disease type C1. Last evaluated: 2024-04-09. Review status: criteria provided, single submitter. Criteria: Natera Variant Classification Schema (03/2026). Collection method: clinical testing. Allele origin: germline.
Comment: The c.608_609delTT variant in NPC1 is a frameshift variant predicted to shift the reading frame beginning at codon 203 and leads to a stop codon 25 codons downstream. This variant is expected to result in nonsense mediated decay, truncation, or a dysfunctional protein product. This variant is rare in the general population with a frequency below the threshold expected for the associated phenotype(s). Given the available evidence, this variant is classified as Likely Pathogenic.

Myriad Genetics, Inc.
Classification: Likely pathogenic for Niemann-Pick disease, type C1. Last evaluated: 2021-12-16. Review status: criteria provided, single submitter. Criteria: Myriad Women's Health Autosomal Recessive and X-Linked Classification Criteria (2021). Collection method: clinical testing. Allele origin: unknown.
Comment: NM_000271.4(NPC1):c.608_609delTT(F203Yfs*25) is expected to be pathogenic in the context of Niemann-Pick disease type C1. This variant is predicted to lead to an abnormal or absent protein product due to the creation of a premature termination codon in NPC1, a gene where loss-of-function variants are known to be pathogenic. Please note: this variant was assessed in the context of healthy population screening.